The following is an entry in ClinVar:

ClinVar aggregate classification (germline): Likely benign. Review status: criteria provided, single submitter (1 of 4 stars). 2 submissions from 2 submitters: Likely benign (1). 1 of the submissions does not count toward it. Last evaluated 2024-03-12.

Conditions:
HSD17B4-related disorder. Also called: HSD17B4-related condition; HSD17B4-related disorders.
Bifunctional peroxisomal enzyme deficiency (DBIF). Also called: DBP DEFICIENCY; PBFE DEFICIENCY; D-bifunctional protein deficiency. Identifiers: Orphanet 300, MedGen C0342870, MONDO:0009855, OMIM 261515. Disease mechanism: loss of function.
Perrault syndrome. Also called: Gonadal dysgenesis with auditory dysfunction, autosomal recessive inheritance. Identifiers: Orphanet 2855, MedGen C0685838, MONDO:0017312.

Allele frequency attached by ClinVar (database versions not stated): gnomAD exomes below 0.00001.
gnomAD v4.1: 2 of 1,530,480 alleles (0.00013%); highest among the groups gnomAD compares: South Asian, 0.0011%; no homozygotes.

Submissions (2):

Labcorp Genetics (formerly Invitae), Labcorp
Classification: Likely benign for Perrault syndrome; Bifunctional peroxisomal enzyme deficiency. Last evaluated: 2024-03-12. Review status: criteria provided, single submitter. Criteria: Invitae Variant Classification Sherloc (09022015). Collection method: clinical testing. Allele origin: germline.

PreventionGenetics, part of Exact Sciences
Classification: Likely benign for HSD17B4-related condition. Last evaluated: 2023-05-31. Review status: no assertion criteria provided. Collection method: clinical testing. Allele origin: germline. Not counted in ClinVar's aggregate classification.
Comment: This variant is classified as likely benign based on ACMG/AMP sequence variant interpretation guidelines (Richards et al. 2015 PMID: 25741868, with internal and published modifications).

NM_000414.4(HSD17B4):c.1338T>C (p.Tyr446=)

Gene: HSD17B4 (hydroxysteroid 17-beta dehydrogenase 4; plus strand). Cytogenetic location: 5q23.1.
Variant type: single nucleotide variant.
Coding change: c.1338T>C on transcript NM_000414.4 (MANE Select); coding-DNA position 1338, T replaced by C.
Protein change: p.Tyr446=; no amino-acid change (tyrosine 446 retained).
Molecular consequence: synonymous variant. On other transcripts: non-coding transcript variant (2).
Genome position (GRCh38, 1-based): chr5:119,509,145, T>C. VCF-style: chr5-119509145-T-C. GRCh37 (hg19) VCF-style: chr5-118844840-T-C.
Other names: c.1338T>C (NM_000414.3); c.1413T>C, p.Tyr471= (NM_001199291.3); c.1284T>C, p.Tyr428= (NM_001199292.2); c.1266T>C, p.Tyr422= (NM_001292027.2, NM_001374498.1); c.918T>C, p.Tyr306= (NM_001292028.2); c.1329T>C, p.Tyr443= (NM_001374497.1); c.1011T>C, p.Tyr337= (NM_001374499.1); c.897T>C, p.Tyr299= (NM_001374500.1); and 1 more.
Identifiers: ClinVar variation 2939100 (VCV002939100.5), dbSNP rs1258313993, ClinGen allele CA446050073.
Genomic context (GRCh38, chr5:119,509,145, plus strand): 5'-CTAGTTATGCCTTTTGGTGGTAACTTCTTTTATTTTTTCTTTTATTTACTTTTCAGTCTA[T>C]TCTTATTCTGAGAAGGAACTTATATGCCACAATCAGTTCTCTCTCTTTCTTGTTGGCTCT-3'
Protein context (NP_000405.1, residues 436-456): GSGVVIIMDV[Tyr446=]SYSEKELICH